The following is an entry in ClinVar:

ClinVar aggregate classification (germline): Uncertain significance (1 of 4 stars; one submission).

Conditions:
Progressive myoclonic epilepsy type 5. Identifiers: Orphanet 402082, MedGen C5190799.

gnomAD v4.1: 5 of 1,614,208 alleles (0.00031%); highest among the groups gnomAD compares: East Asian, 0.0022%; no homozygotes.

Submission:

Labcorp Genetics (formerly Invitae), Labcorp
Classification: Uncertain significance for Progressive myoclonic epilepsy type 5. Last evaluated: 2025-03-03. Review status: criteria provided, single submitter. Criteria: Invitae Variant Classification Sherloc (09022015). Collection method: clinical testing. Allele origin: germline.
Comment: This sequence change replaces arginine, which is basic and polar, with histidine, which is basic and polar, at codon 800 of the PRICKLE2 protein (p.Arg800His). This variant is present in population databases (rs772206753, gnomAD 0.01%). This variant has not been reported in the literature in individuals affected with PRICKLE2-related conditions. Invitae Evidence Modeling of protein sequence and biophysical properties (such as structural, functional, and spatial information, amino acid conservation, physicochemical variation, residue mobility, and thermodynamic stability) indicates that this missense variant is not expected to disrupt PRICKLE2 protein function with a negative predictive value of 80%. In summary, the available evidence is currently insufficient to determine the role of this variant in disease. Therefore, it has been classified as a Variant of Uncertain Significance.

NM_198859.4(PRICKLE2):c.2399G>A (p.Arg800His)

Genes: PRICKLE2 (prickle planar cell polarity protein 2; minus strand), PRICKLE2-AS1 (PRICKLE2 antisense RNA 1; plus strand). Cytogenetic location: 3p14.1.
Variant type: single nucleotide variant.
Coding change: c.2399G>A on transcript NM_198859.4 (MANE Select); coding-DNA position 2399, G replaced by A.
Protein change: p.Arg800His; replaces arginine 800 with histidine.
Molecular consequence: missense variant. On other transcripts: non-coding transcript variant (1).
Genome position (GRCh38, 1-based): chr3:64,099,187, C>T on the plus strand (G>A on the coding strand, the complement: PRICKLE2 is on the minus strand). VCF-style: chr3-64099187-C-T. GRCh37 (hg19) VCF-style: chr3-64084863-C-T.
Other names: c.2399G>A, p.Arg800His (NM_001370528.1); short protein forms R800H.
Identifiers: ClinVar variation 4810607 (VCV004810607.1).
Genomic context (GRCh38, chr3:64,099,187, plus strand): 5'-TTGGGGAGGCCGTAGGAGCTGTATTTGTGCAGCAGCTCATCGCTTGTGACGTATCGCAGG[C>T]GCGCTGGCTGGGGGATGGGTTCTCCTAGGAAATAGCCCTCGTTGTCAGACTCTGAAGAGG-3'
Protein context (NP_942559.1, residues 790-810): FLGEPIPQPA[Arg800His]LRYVTSDELL